The following is an entry in ClinVar:

NM_000744.7(CHRNA4):c.620G>T (p.Gly207Val)

Gene: CHRNA4 (cholinergic receptor nicotinic alpha 4 subunit; minus strand). Cytogenetic location: 20q13.33.
Variant type: single nucleotide variant.
Coding change: c.620G>T on transcript NM_000744.7 (MANE Select); coding-DNA position 620, G replaced by T.
Protein change: p.Gly207Val; replaces glycine 207 with valine.
Molecular consequence: missense variant. On other transcripts: non-coding transcript variant (1).
Genome position (GRCh38, 1-based): chr20:63,350,791, C>A on the plus strand (G>T on the coding strand, the complement: CHRNA4 is on the minus strand). VCF-style: chr20-63350791-C-A. GRCh37 (hg19) VCF-style: chr20-61982143-C-A.
Other names: c.92G>T, p.Gly31Val (NM_001256573.2); short protein forms G31V, G207V.
Identifiers: ClinVar variation 4746774 (VCV004746774.1).

ClinVar aggregate classification (germline): Uncertain significance (1 of 4 stars; one submission).

Conditions:
Familial sleep-related hypermotor epilepsy. Also called: Autosomal Dominant Sleep-Related Hypermotor (Hyperkinetic) Epilepsy. Identifiers: Orphanet 98784, MedGen C3696898, MONDO:0000030.

Submission:

Labcorp Genetics (formerly Invitae), Labcorp
Classification: Uncertain significance. Last evaluated: 2025-03-05. Review status: criteria provided, single submitter. Criteria: Invitae Variant Classification Sherloc (09022015). Collection method: clinical testing. Allele origin: germline.
Comment: This sequence change replaces glycine, which is neutral and non-polar, with valine, which is neutral and non-polar, at codon 207 of the CHRNA4 protein (p.Gly207Val). This variant is not present in population databases (gnomAD no frequency). This variant has not been reported in the literature in individuals affected with CHRNA4-related conditions. Invitae Evidence Modeling of protein sequence and biophysical properties (such as structural, functional, and spatial information, amino acid conservation, physicochemical variation, residue mobility, and thermodynamic stability) indicates that this missense variant is not expected to disrupt CHRNA4 protein function with a negative predictive value of 80%. In summary, the available evidence is currently insufficient to determine the role of this variant in disease. Therefore, it has been classified as a Variant of Uncertain Significance.